The following is an entry in ClinVar:

NM_001482.3(GATM):c.1160G>A (p.Gly387Asp)

Gene: GATM (glycine amidinotransferase; minus strand). Cytogenetic location: 15q21.1.
Variant type: single nucleotide variant.
Coding change: c.1160G>A on transcript NM_001482.3 (MANE Select); coding-DNA position 1160, G replaced by A.
Protein change: p.Gly387Asp; replaces glycine 387 with aspartic acid.
Molecular consequence: missense variant.
Genome position (GRCh38, 1-based): chr15:45,362,221, C>T on the plus strand (G>A on the coding strand, the complement: GATM is on the minus strand). VCF-style: chr15-45362221-C-T. GRCh37 (hg19) VCF-style: chr15-45654419-C-T.
Other names: c.773G>A, p.Gly258Asp (NM_001321015.2); short protein forms G387D, G258D.
Identifiers: ClinVar variation 2983448 (VCV002983448.3), dbSNP rs757608369, ClinGen allele CA7542761.

ClinVar aggregate classification (germline): Uncertain significance (1 of 4 stars; one submission).

Conditions:
Arginine:glycine amidinotransferase deficiency (CCDS3). Also called: Creatine deficiency syndrome due to AGAT deficiency; Cerebral creatine deficiency syndrome 3; AGAT deficiency; GATM deficiency; L-Arginine:Glycine Amidinotransferase (AGAT) Deficiency; L-Arginine:Glycine Amidinotransferase Deficiency. Identifiers: Orphanet 35704, MedGen C2675179, MONDO:0012996, OMIM 612718.

Allele frequency attached by ClinVar (database versions not stated): ExAC 0.00001; gnomAD 0.00001; TOPMed 0.00002; gnomAD exomes 0.00005.
gnomAD v4.1: 69 of 1,574,800 alleles (0.0044%); highest among the groups gnomAD compares: Non-Finnish European, 0.0059%; no homozygotes.

Submission:

Labcorp Genetics (formerly Invitae), Labcorp
Classification: Uncertain significance for Arginine:glycine amidinotransferase deficiency. Last evaluated: 2025-07-30. Review status: criteria provided, single submitter. Criteria: Invitae Variant Classification Sherloc (09022015). Collection method: clinical testing. Allele origin: germline.
Comment: This sequence change replaces glycine, which is neutral and non-polar, with aspartic acid, which is acidic and polar, at codon 387 of the GATM protein (p.Gly387Asp). This variant is present in population databases (rs757608369, gnomAD 0.003%). This variant has not been reported in the literature in individuals affected with GATM-related conditions. ClinVar contains an entry for this variant (Variation ID: 2983448). Invitae Evidence Modeling of protein sequence and biophysical properties (such as structural, functional, and spatial information, amino acid conservation, physicochemical variation, residue mobility, and thermodynamic stability) indicates that this missense variant is expected to disrupt GATM protein function with a positive predictive value of 95%. In summary, the available evidence is currently insufficient to determine the role of this variant in disease. Therefore, it has been classified as a Variant of Uncertain Significance.